The following is an entry in ClinVar:

ClinVar aggregate classification (germline): Uncertain significance (1 of 4 stars; one submission).

Submission:

GeneDx
Classification: Uncertain significance. Last evaluated: 2024-03-29. Review status: criteria provided, single submitter. Criteria: GeneDx Variant Classification Process June 2021. Collection method: clinical testing. Allele origin: germline. Affected: yes.
Comment: Not observed at significant frequency in large population cohorts (gnomAD); In silico analysis supports that this missense variant does not alter protein structure/function; Has not been previously published as pathogenic or benign to our knowledge

NM_015057.5(MYCBP2):c.10496C>G (p.Pro3499Arg)

Gene: MYCBP2 (MYC binding protein 2; minus strand). Cytogenetic location: 13q22.3.
Variant type: single nucleotide variant.
Coding change: c.10496C>G on transcript NM_015057.5 (MANE Select); coding-DNA position 10496, C replaced by G.
Protein change: p.Pro3499Arg; replaces proline 3499 with arginine.
Molecular consequence: missense variant.
Genome position (GRCh38, 1-based): chr13:77,090,135, G>C on the plus strand (C>G on the coding strand, the complement: MYCBP2 is on the minus strand). VCF-style: chr13-77090135-G-C. GRCh37 (hg19) VCF-style: chr13-77664270-G-C.
Other names: short protein forms P3499R.
Identifiers: ClinVar variation 3371641 (VCV003371641.1).